The following is an entry in ClinVar:

ClinVar aggregate classification (germline): Uncertain significance. Review status: criteria provided, multiple submitters, no conflicts (2 of 4 stars). 5 submissions from 4 submitters: Uncertain significance (5). Last evaluated 2025-12-10.

Conditions:
Usher syndrome type 2A. Also called: USHER SYNDROME, TYPE IIA; RETINAL DISEASE IN USHER SYNDROME TYPE IIA, MODIFIER OF. Identifiers: Orphanet 231178, Orphanet 886, MedGen C1848634, MONDO:0010169, OMIM 276901.
Retinitis pigmentosa 39 (RP39). Identifiers: Orphanet 791, MedGen C3151138, MONDO:0013436, OMIM 613809.

Allele frequency attached by ClinVar (database versions not stated): ExAC 0.00001; gnomAD 0.00003; TOPMed 0.00003.
gnomAD v4.1: 38 of 1,613,738 alleles (0.0024%); highest among the groups gnomAD compares: Middle Eastern, 0.017%; no homozygotes.

Submissions (5):

GeneDx
Classification: Uncertain significance. Last evaluated: 2025-12-10. Review status: criteria provided, single submitter. Criteria: GeneDx Variant Classification Process June 2021. Collection method: clinical testing. Allele origin: germline. Affected: yes.
Comment: Has not been previously published as pathogenic or benign to our knowledge; Not observed at significant frequency in large population cohorts (gnomAD); In silico analysis suggests that this missense variant does not alter protein structure/function

Genome-Nilou Lab
Classification: Uncertain significance for Retinitis pigmentosa 39. Last evaluated: 2023-11-04. Review status: criteria provided, single submitter. Criteria: ACMG Guidelines, 2015. Collection method: clinical testing. Allele origin: germline. Affected: no.

Genome-Nilou Lab
Classification: Uncertain significance for Usher syndrome type 2A. Last evaluated: 2023-11-04. Review status: criteria provided, single submitter. Criteria: ACMG Guidelines, 2015. Collection method: clinical testing. Allele origin: germline. Affected: no.

Labcorp Genetics (formerly Invitae), Labcorp
Classification: Uncertain significance. Last evaluated: 2022-08-23. Review status: criteria provided, single submitter. Criteria: Invitae Variant Classification Sherloc (09022015). Collection method: clinical testing. Allele origin: germline.
Comment: This sequence change replaces arginine, which is basic and polar, with glutamine, which is neutral and polar, at codon 2509 of the USH2A protein (p.Arg2509Gln). This variant is present in population databases (rs781229974, gnomAD 0.006%). This variant has not been reported in the literature in individuals affected with USH2A-related conditions. Algorithms developed to predict the effect of missense changes on protein structure and function (SIFT, PolyPhen-2, Align-GVGD) all suggest that this variant is likely to be disruptive. This variant disrupts the p.Arg2509 amino acid residue in USH2A. Other variant(s) that disrupt this residue have been observed in individuals with USH2A-related conditions (PMID: 28157192, 32188678, 32675063), which suggests that this may be a clinically significant amino acid residue. In summary, the available evidence is currently insufficient to determine the role of this variant in disease. Therefore, it has been classified as a Variant of Uncertain Significance.

Neuberg Centre For Genomic Medicine, NCGM
Classification: Uncertain significance for Retinitis pigmentosa 39. Review status: criteria provided, single submitter. Criteria: ACMG Guidelines, 2015. Collection method: clinical testing. Allele origin: germline. Inheritance: Autosomal recessive inheritance. Affected: yes.
Comment: The missense c.7526G>A p.Arg2509Gln variant in USH2A gene has not been reported previously as a pathogenic variant nor as a benign variant, to our knowledge. The p.Arg2509Gln variant has allele frequency 0.002% in gnomAD Exomes and is novel not in any individuals in 1000 Genomes. This variant has not been reported to the ClinVar database. The amino acid change p.Arg2509Gln in USH2A is predicted as conserved by GERP++ and PhyloP across 100 vertebrates. The amino acid Arg at position 2509 is changed to a Gln changing protein sequence and it might alter its composition and physico-chemical properties. For these reasons, this variant has been classified as Variant of Uncertain Significance VUS.

Literature cited by the submitters: PubMed 28157192 (cited by Labcorp Genetics (formerly Invitae), Labcorp); PubMed 32188678 (cited by Labcorp Genetics (formerly Invitae), Labcorp); PubMed 32675063 (cited by Labcorp Genetics (formerly Invitae), Labcorp).

NM_206933.4(USH2A):c.7526G>A (p.Arg2509Gln)

Gene: USH2A (usherin; minus strand). Cytogenetic location: 1q41.
Variant type: single nucleotide variant.
Coding change: c.7526G>A on transcript NM_206933.4 (MANE Select); coding-DNA position 7526, G replaced by A.
Protein change: p.Arg2509Gln; replaces arginine 2509 with glutamine.
Molecular consequence: missense variant.
Genome position (GRCh38, 1-based): chr1:215,900,143, C>T on the plus strand (G>A on the coding strand, the complement: USH2A is on the minus strand). VCF-style: chr1-215900143-C-T. GRCh37 (hg19) VCF-style: chr1-216073485-C-T.
Other names: c.7526G>A (NM_206933.2); short protein forms R2509Q.
Identifiers: ClinVar variation 2157878 (VCV002157878.6), dbSNP rs781229974, ClinGen allele CA1394813.
Genomic context (GRCh38, chr1:215,900,143, plus strand): 5'-GCGGTCATGAATGGAATCCAAGAACTATGTGCACTGCCAAATCCATTGGAGGCAACCAAC[C>T]GAAACATATACTCTGTGTACGGTTGGAGATCACTCACTTCATAGCTTAACGATGCAGAAG-3'
Protein context (NP_996816.3, residues 2499-2519): DLQPYTEYMF[Arg2509Gln]LVASNGFGSA